The following is an entry in ClinVar:

ClinVar aggregate classification (germline): Uncertain significance. Review status: criteria provided, multiple submitters, no conflicts (2 of 4 stars). 4 submissions from 4 submitters: Uncertain significance (4). Last evaluated 2025-07-22.

Conditions:
Dilated cardiomyopathy 1G (CMD1G). Identifiers: Orphanet 154, MedGen C1858763, MONDO:0011400, OMIM 604145.
Autosomal recessive limb-girdle muscular dystrophy type 2J (LGMDR10). Also called: Limb-girdle muscular dystrophy, type 2J; MUSCULAR DYSTROPHY, LIMB-GIRDLE, AUTOSOMAL RECESSIVE 10. Identifiers: Orphanet 140922, MedGen C1837342, MONDO:0012127, OMIM 608807.

Allele frequency attached by ClinVar (database versions not stated): gnomAD exomes below 0.00001 and 0.00001; gnomAD 0.00003 and 0.00004; TOPMed 0.00004.
gnomAD v4.1: 14 of 1,606,008 alleles (0.00087%); highest among the groups gnomAD compares: African/African-American, 0.017%; no homozygotes.

Submissions (4):

Mayo Clinic Laboratories, Mayo Clinic
Classification: Uncertain significance. Last evaluated: 2025-07-22. Review status: criteria provided, single submitter. Criteria: ACMG Guidelines, 2015. Collection method: clinical testing. Allele origin: germline. Observed: 1 variant allele.
Comment: BP1, BP4_moderate, PM2_supporting

GeneDx
Classification: Uncertain significance. Last evaluated: 2024-08-30. Review status: criteria provided, single submitter. Criteria: GeneDx Variant Classification Process June 2021. Collection method: clinical testing. Allele origin: germline. Affected: yes.
Comment: Not observed at significant frequency in large population cohorts (gnomAD); Missense variant in a gene in which most reported pathogenic variants are truncating/loss of function; Has not been previously published as pathogenic or benign to our knowledge; Located in a region of TTN within the I-band in which the majority of loss of function variants are significantly associated with autosomal dominant titinopathies (PMID: 27625338, 27869827)

Revvity Omics, Revvity
Classification: Uncertain significance. Last evaluated: 2020-12-10. Review status: criteria provided, single submitter. Criteria: ACMG Guidelines, 2015. Collection method: clinical testing. Allele origin: germline.

Labcorp Genetics (formerly Invitae), Labcorp
Classification: Uncertain significance for Dilated cardiomyopathy 1G; Autosomal recessive limb-girdle muscular dystrophy type 2J. Last evaluated: 2017-04-21. Review status: criteria provided, single submitter. Criteria: Invitae Variant Classification Sherloc (09022015). Collection method: clinical testing. Allele origin: germline.

NM_001267550.2(TTN):c.35194G>A (p.Glu11732Lys)

Gene: TTN (titin; minus strand). Cytogenetic location: 2q31.2.
Variant type: single nucleotide variant.
Coding change: c.35194G>A on transcript NM_001267550.2 (MANE Select); coding-DNA position 35194, G replaced by A.
Protein change: p.Glu11732Lys; replaces glutamic acid 11732 with lysine.
Molecular consequence: missense variant. On other transcripts: intron variant (3).
Genome position (GRCh38, 1-based): chr2:178,672,004, C>T on the plus strand (G>A on the coding strand, the complement: TTN is on the minus strand). VCF-style: chr2-178672004-C-T. GRCh37 (hg19) VCF-style: chr2-179536731-C-T.
Other names: p.Glu11358Lys; c.34072G>A, p.Glu11358Lys (NM_001256850.1); c.31291G>A, p.Glu10431Lys (NM_133378.4); c.13283-29687G>A (NM_003319.4); c.13859-29687G>A (NM_133437.4); c.13658-29687G>A (NM_133432.3); c.35194G>A (NM_001267550.1); short protein forms E11732K, E11358K, E10431K.
Identifiers: ClinVar variation 404674 (VCV000404674.9), dbSNP rs939014361, ClinGen allele CA16610427.
Genomic context (GRCh38, chr2:178,672,004, plus strand): 5'-TTGTAGTATTTGAAGAATTCCCTATACCTTTAGGTGGAGCTTTTGGTTTTTCAAATACTT[C>T]CACTTCTTCAGCCTCAAAAACTTCTATTACCCTATGAACTTTTTCAACTCTGTGTTCTTC-3'
Protein context (NP_001254479.2, residues 11722-11742): VIEVFEAEEV[Glu11732Lys]VFEKPKAPPK